The following is an entry in ClinVar:

ClinVar aggregate classification (germline): Pathogenic (1 of 4 stars; one submission).

Submission:

GeneDx
Classification: Pathogenic. Last evaluated: 2026-07-02. Review status: criteria provided, single submitter. Criteria: GeneDx Variant Classification Process June 2021. Collection method: clinical testing. Allele origin: germline.
Comment: Frameshift variant predicted to result in protein truncation or nonsense mediated decay in a gene for which loss of function is a known mechanism of disease; Not observed at significant frequency in large population cohorts (gnomAD); Has not been previously published as pathogenic or benign to our knowledge

NM_001009944.3(PKD1):c.2075del (p.Ala692fs)

Gene: PKD1 (polycystin 1, transient receptor potential channel interacting; minus strand). Cytogenetic location: 16p13.3.
Variant type: Deletion.
Coding change: c.2075del on transcript NM_001009944.3 (MANE Select); coding-DNA position 2075, one base deleted (C; older notation c.2075delC).
Protein change: p.Ala692fs; shifts the reading frame from alanine 692.
Molecular consequence: frameshift variant.
Genome position (GRCh38, 1-based): chr16:2,115,400, G deleted on the plus strand (C on the coding strand, the reverse complement: PKD1 is on the minus strand). VCF-style (leftmost placement, unchanged base first): chr16-2115399-CG-C. GRCh37 (hg19) VCF-style: chr16-2165400-CG-C.
Other names: c.2075del, p.Ala692fs (NM_000296.4); c.2075delC, p.Ala692Glyfs (NM_001009944.2); short protein forms A692fs.
Identifiers: ClinVar variation 4686777 (VCV004686777.2).